The following is an entry in ClinVar:

NM_003072.5(SMARCA4):c.223-4G>T

Gene: SMARCA4 (SWI/SNF related BAF chromatin remodeling complex subunit ATPase 4; plus strand). Cytogenetic location: 19p13.2.
Variant type: single nucleotide variant.
Coding change: c.223-4G>T on transcript NM_003072.5 (MANE Select); 4 bases into the intron before coding-DNA position 223, G replaced by T.
Molecular consequence: intron variant.
Genome position (GRCh38, 1-based): chr19:10,985,269, G>T. VCF-style: chr19-10985269-G-T. GRCh37 (hg19) VCF-style: chr19-11095945-G-T.
Other names: c.223-4G>T (NM_001128844.3, NM_001128849.3, NM_001128847.4 and 5 more transcripts).
Identifiers: ClinVar variation 480641 (VCV000480641.21), dbSNP rs763383326, ClinGen allele CA631767781.
Genomic context (GRCh38, chr19:10,985,269, plus strand): 5'-CATAGCTGCGCTGCCACCTCACGTTCCACATGCTGACCCTGCCTTGCCATGGTCCCTCTC[G>T]CAGCCCATGGAGTCCATGCATGAGAAGGGCATGTCGGACGACCCGCGCTACAACCAGATG-3'

ClinVar aggregate classification (germline): Conflicting classifications of pathogenicity. Review status: criteria provided, conflicting classifications (1 of 4 stars). 7 submissions from 7 submitters: Uncertain significance (1); Benign (1); Likely benign (4). 1 of the submissions does not count toward it. Last evaluated 2026-07-06.

Conditions:
Intellectual disability, autosomal dominant 16 (CSS4). Also called: COFFIN-SIRIS SYNDROME 4. Identifiers: Orphanet 1465, MedGen C3553249, MONDO:0013821, OMIM 614609.
Hereditary cancer-predisposing syndrome. Also called: Tumor predisposition; Neoplastic Syndromes, Hereditary; Hereditary Cancer Syndrome; Hereditary neoplastic syndrome. Identifiers: Orphanet 140162, MedGen C0027672, MeSH D009386, MONDO:0015356.
Rhabdoid tumor predisposition syndrome 2 (RTPS2). Identifiers: Orphanet 231108, Orphanet 69077, MedGen C2750074, MONDO:0013224, OMIM 613325.
SMARCA4-related disorder. Also called: SMARCA4-related condition.

gnomAD v4.1: 26 of 1,613,688 alleles (0.0016%); highest among the groups gnomAD compares: Non-Finnish European, 0.0018%; no homozygotes.

Submissions (7):

Myriad Genetics, Inc.
Classification: Likely benign for Rhabdoid tumor predisposition syndrome 2. Last evaluated: 2026-07-06. Review status: criteria provided, single submitter. Criteria: Myriad Autosomal Dominant, Autosomal Recessive and X-Linked Classification Criteria (2023). Collection method: clinical testing. Allele origin: unknown.
Comment: This variant is considered likely benign. This variant is intronic and is not expected to impact mRNA splicing.

Labcorp Genetics (formerly Invitae), Labcorp
Classification: Likely benign for Rhabdoid tumor predisposition syndrome 2. Last evaluated: 2025-12-02. Review status: criteria provided, single submitter. Criteria: Invitae Variant Classification Sherloc (09022015). Collection method: clinical testing. Allele origin: germline.

Laboratory of Genetics, Children's Clinical University Hospital Latvia
Classification: Benign. Last evaluated: 2025-02-16. Review status: criteria provided, single submitter. Criteria: ACMG Guidelines, 2015. Collection method: clinical testing. Allele origin: germline. Affected: yes.

Blueprint Genetics
Classification: Likely benign. Last evaluated: 2023-03-27. Review status: criteria provided, single submitter. Criteria: ACMG Guidelines, 2015. Collection method: clinical testing. Allele origin: germline.

Ambry Genetics
Classification: Likely benign for Hereditary cancer-predisposing syndrome. Last evaluated: 2022-01-27. Review status: criteria provided, single submitter. Criteria: Ambry Variant Classification Scheme 2023. Collection method: clinical testing. Allele origin: germline.

Genome-Nilou Lab
Classification: Uncertain significance for Intellectual disability, autosomal dominant 16. Last evaluated: 2021-07-15. Review status: criteria provided, single submitter. Criteria: ACMG Guidelines, 2015. Collection method: clinical testing. Allele origin: germline. Affected: no.

PreventionGenetics, part of Exact Sciences
Classification: Likely benign for SMARCA4-related condition. Last evaluated: 2022-01-21. Review status: no assertion criteria provided. Collection method: clinical testing. Allele origin: germline. Not counted in ClinVar's aggregate classification.
Comment: This variant is classified as likely benign based on ACMG/AMP sequence variant interpretation guidelines (Richards et al. 2015 PMID: 25741868, with internal and published modifications).